The following is an entry in ClinVar:

NM_000551.4(VHL):c.256C>G (p.Pro86Ala)

Gene: VHL (von Hippel-Lindau tumor suppressor; plus strand). Cytogenetic location: 3p25.3.
Variant type: single nucleotide variant.
Coding change: c.256C>G on transcript NM_000551.4 (MANE Select); coding-DNA position 256, C replaced by G.
Protein change: p.Pro86Ala; replaces proline 86 with alanine.
Molecular consequence: missense variant.
Genome position (GRCh38, 1-based): chr3:10,142,103, C>G. VCF-style: chr3-10142103-C-G. GRCh37 (hg19) VCF-style: chr3-10183787-C-G.
Other names: c.256C>G, p.Pro86Ala (NM_001354723.2, NM_198156.3); short protein forms P86A.
Identifiers: ClinVar variation 93327 (VCV000093327.9), dbSNP rs398123481, ClinGen allele CA020174.

ClinVar aggregate classification (germline): Pathogenic/Likely pathogenic. Review status: criteria provided, multiple submitters, no conflicts (2 of 4 stars). 5 submissions from 5 submitters: Pathogenic (2); Likely pathogenic (2). 1 of the submissions does not count toward it. Last evaluated 2025-10-06.

Conditions:
Chuvash polycythemia. Also called: POLYCYTHEMIA, VHL-DEPENDENT. Identifiers: Orphanet 238557, MedGen C1837915, MONDO:0009892, OMIM 263400.
Von Hippel-Lindau syndrome (VHLS). Also called: von Hippel–Lindau syndrome; VHL syndrome; Von Hippel-Lindau. Identifiers: Orphanet 892, MedGen C0019562, MONDO:0008667, OMIM 193300. Disease mechanism: loss of function.
Hereditary cancer-predisposing syndrome. Also called: Tumor predisposition; Neoplastic Syndromes, Hereditary; Hereditary neoplastic syndrome; Hereditary Cancer Syndrome. Identifiers: Orphanet 140162, MedGen C0027672, MeSH D009386, MONDO:0015356.

Submissions (5):

Labcorp Genetics (formerly Invitae), Labcorp
Classification: Pathogenic for Von Hippel-Lindau syndrome; Chuvash polycythemia. Last evaluated: 2025-10-06. Review status: criteria provided, single submitter. Criteria: Invitae Variant Classification Sherloc (09022015). Collection method: clinical testing. Allele origin: germline.
Comment: This sequence change replaces proline, which is neutral and non-polar, with alanine, which is neutral and non-polar, at codon 86 of the VHL protein (p.Pro86Ala). This variant is not present in population databases (gnomAD no frequency). This missense change has been observed in individuals with clinical features of von Hippel-Lindau syndrome (PMID: 7728151, 17102082, 27034144; internal data). It has also been observed to segregate with disease in related individuals. This variant is also known as c.469C>G. ClinVar contains an entry for this variant (Variation ID: 93327). Invitae Evidence Modeling of protein sequence and biophysical properties (such as structural, functional, and spatial information, amino acid conservation, physicochemical variation, residue mobility, and thermodynamic stability) indicates that this missense variant is expected to disrupt VHL protein function with a positive predictive value of 95%. This variant disrupts the p.Pro86 amino acid residue in VHL. Other variant(s) that disrupt this residue have been determined to be pathogenic (PMID: 8634692, 9829912, 11257211, 19408298, 19464396, 27057652, 27527340). This suggests that this residue is clinically significant, and that variants that disrupt this residue are likely to be disease-causing. For these reasons, this variant has been classified as Pathogenic.

Ambry Genetics
Classification: Likely pathogenic for Hereditary cancer-predisposing syndrome. Last evaluated: 2024-06-05. Review status: criteria provided, single submitter. Criteria: Ambry Variant Classification Scheme 2023. Collection method: clinical testing. Allele origin: germline.
Comment: The p.P86A variant (also known as c.256C>G), located in coding exon 1 of the VHL gene, results from a C to G substitution at nucleotide position 256. The proline at codon 86 is replaced by alanine, an amino acid with highly similar properties. This alteration has been identified in multiple individuals with clinical findings of von Hippel Lindau (VHL) (Ambry internal data; Chen F et al. Hum Mutat, 1995;5:66-75; Castellano M et al. Ann N Y Acad Sci, 2006 Aug;1073:156-65; Ferrara AM et al. Cancer Res Treat, 2016 Oct;48:1438-1442; Reich M et al. Acta Ophthalmol, 2021 Dec;99:e1492-e1500; Morlacchi LC et al. ERJ Open Res, 2023 Nov;9:). Of note, this alteration is also known as 469C>G in published literature. This amino acid position is highly conserved in available vertebrate species. In addition, this alteration is predicted to be deleterious by in silico analysis. This variant is considered to be rare based on population cohorts in the Genome Aggregation Database (gnomAD). Based on the majority of available evidence to date, this variant is likely to be pathogenic.

Women's Health and Genetics/Laboratory Corporation of America, LabCorp
Classification: Likely pathogenic for Von Hippel-Lindau syndrome. Last evaluated: 2016-01-29. Review status: criteria provided, single submitter. Criteria: LabCorp Variant Classification Summary - May 2015. Collection method: clinical testing. Allele origin: germline.
Comment: Variant summary: This c.256C>G variant affects a conserved nucleotide, resulting in amino acid change from Pro to Ala in HIFalfa domain of VHL protein. 4/4 in-silico tools predict this variant to be damaging. This variant was found in 2/102226 control chromosomes including the broad and large population from ExAC at a frequency of 0.0000196, which is lower than the maximal expected frequency of a pathogenic allele (0.0000208) in this gene. In literature, this variant has been reported in five independent patients with Von Hippel-Lindau disease or related cancers. Other missense changes at this codon are also reported in association VHL disease, namely p.P86R, p.P86L and p.P86S, suggesting that this codon is likely to be a mutational hot-spot. One clinical lab (via ClinVar) and one reputable database classify this variant as pathogenic. Taken together, this variant is currently classified as Likely Pathogenic.

Eurofins Ntd Llc (ga)
Classification: Pathogenic. Last evaluated: 2013-07-02. Review status: criteria provided, single submitter. Criteria: EGL Classification Definitions 2015. Collection method: clinical testing. Allele origin: germline. Observed: 2 variant alleles, 2 heterozygotes.

Genomic Diagnostic Laboratory, Division of Genomic Diagnostics, Children's Hospital of Philadelphia
Classification: Likely pathogenic for Von Hippel-Lindau syndrome. Last evaluated: 2016-02-26. Review status: no assertion criteria provided. Collection method: clinical testing. Allele origin: germline. Affected: yes. Observed: 3 variant alleles. Not counted in ClinVar's aggregate classification.

Literature cited by the submitters: PubMed 7728151 (cited by 3 submitters); PubMed 17102082 (cited by 3 submitters); PubMed 27034144 (cited by Labcorp Genetics (formerly Invitae), Labcorp and Ambry Genetics); PubMed 8634692 (cited by Labcorp Genetics (formerly Invitae), Labcorp); PubMed 9829912 (cited by Labcorp Genetics (formerly Invitae), Labcorp); PubMed 11257211 (cited by Labcorp Genetics (formerly Invitae), Labcorp and Women's Health and Genetics/Laboratory Corporation of America, LabCorp); PubMed 19408298 (cited by Labcorp Genetics (formerly Invitae), Labcorp); PubMed 19464396 (cited by Labcorp Genetics (formerly Invitae), Labcorp); PubMed 27057652 (cited by Labcorp Genetics (formerly Invitae), Labcorp); PubMed 27527340 (cited by Labcorp Genetics (formerly Invitae), Labcorp); PubMed 33720516 (cited by Ambry Genetics); PubMed 38020566 (cited by Ambry Genetics); PubMed 19304954 (cited by Women's Health and Genetics/Laboratory Corporation of America, LabCorp); PubMed 22105611 (cited by Women's Health and Genetics/Laboratory Corporation of America, LabCorp); PubMed 8956040 (cited by Women's Health and Genetics/Laboratory Corporation of America, LabCorp); PubMed 19996202 (cited by Women's Health and Genetics/Laboratory Corporation of America, LabCorp); PubMed 18836774 (cited by Women's Health and Genetics/Laboratory Corporation of America, LabCorp); PubMed 9681856 (cited by Women's Health and Genetics/Laboratory Corporation of America, LabCorp); PubMed 22825683 (cited by Women's Health and Genetics/Laboratory Corporation of America, LabCorp).